The following is an entry in ClinVar:

NM_201596.3(CACNB2):c.1741C>G (p.His581Asp)

Gene: CACNB2 (calcium voltage-gated channel auxiliary subunit beta 2; plus strand). Cytogenetic location: 10p12.31.
Variant type: single nucleotide variant.
Coding change: c.1741C>G on transcript NM_201596.3 (MANE Select); coding-DNA position 1741, C replaced by G.
Protein change: p.His581Asp; replaces histidine 581 with aspartic acid.
Molecular consequence: missense variant.
Genome position (GRCh38, 1-based): chr10:18,539,482, C>G. VCF-style: chr10-18539482-C-G. GRCh37 (hg19) VCF-style: chr10-18828411-C-G.
Other names: c.1576C>G, p.His526Asp (NM_000724.4); c.1543C>G, p.His515Asp (NM_001167945.2); c.1462C>G, p.His488Asp (NM_001330060.2); c.1483C>G, p.His495Asp (NM_001410882.1); c.1597C>G, p.His533Asp (NM_201570.3); c.1657C>G, p.His553Asp (NM_201571.4); c.1585C>G, p.His529Asp (NM_201572.4); c.1579C>G, p.His527Asp (NM_201590.3); and 2 more; short protein forms H526D, H529D, H533D, H543D, H557D, H581D, H495D, H515D.
Identifiers: ClinVar variation 3994604 (VCV003994604.1).

ClinVar aggregate classification (germline): Uncertain significance (1 of 4 stars; one submission).

Conditions:
Cardiovascular phenotype. Identifiers: MedGen CN230736.

gnomAD v4.1: 1 of 1,614,006 alleles (0.000062%); highest among the groups gnomAD compares: Non-Finnish European, 0.000085%; no homozygotes.

Submission:

Ambry Genetics
Classification: Uncertain significance for Cardiovascular phenotype. Last evaluated: 2025-05-30. Review status: criteria provided, single submitter. Criteria: Ambry Variant Classification Scheme 2023. Collection method: clinical testing. Allele origin: germline.
Comment: The p.H527D variant (also known as c.1579C>G), located in coding exon 13 of the CACNB2 gene, results from a C to G substitution at nucleotide position 1579. The histidine at codon 527 is replaced by aspartic acid, an amino acid with similar properties. This amino acid position is conserved. In addition, the in silico prediction for this alteration is inconclusive. Based on the available evidence, the clinical significance of this variant remains unclear.